The following is an entry in ClinVar:

ClinVar aggregate classification (germline): Uncertain significance (1 of 4 stars; one submission).

Conditions:
Inborn genetic diseases. Identifiers: MedGen C0950123, MeSH D030342.

gnomAD v4.1: 11 of 1,571,730 alleles (0.0007%); highest among the groups gnomAD compares: Non-Finnish European, 0.00087%; no homozygotes.

Submission:

Ambry Genetics
Classification: Uncertain significance for Inborn genetic diseases. Last evaluated: 2026-07-03. Review status: criteria provided, single submitter. Criteria: Ambry Variant Classification Scheme 2023. Collection method: clinical testing. Allele origin: germline.
Comment: The c.1465G>A (p.E489K) alteration is located in exon 13 (coding exon 11) of the CEP63 gene. This alteration results from a G to A substitution at nucleotide position 1465, causing the glutamic acid (E) at amino acid position 489 to be replaced by a lysine (K). Based on data from gnomAD, the A allele has an overall frequency of <0.001% (1/249148) total alleles studied. The highest observed frequency was 0.001% (1/113110) of European (non-Finnish) alleles. Based on insufficient or conflicting evidence, the clinical significance of this alteration remains unclear.

NM_001353108.3(CEP63):c.1465G>A (p.Glu489Lys)

Gene: CEP63 (centrosomal protein 63; plus strand). Cytogenetic location: 3q22.2.
Variant type: single nucleotide variant.
Coding change: c.1465G>A on transcript NM_001353108.3 (MANE Select); coding-DNA position 1465, G replaced by A.
Protein change: p.Glu489Lys; replaces glutamic acid 489 with lysine.
Molecular consequence: missense variant. On other transcripts: non-coding transcript variant (4).
Genome position (GRCh38, 1-based): chr3:134,552,010, G>A. VCF-style: chr3-134552010-G-A. GRCh37 (hg19) VCF-style: chr3-134270852-G-A.
Other names: c.1243G>A, p.Glu415Lys (NM_001353125.2); c.964G>A, p.Glu322Lys (NM_001353126.2); c.1465G>A, p.Glu489Lys (NM_025180.5, NM_001353112.2, NM_001353113.1 and 4 more transcripts); c.1354G>A, p.Glu452Lys (NM_001353118.1); c.1327G>A, p.Glu443Lys (NM_001353119.2, NM_001353120.2, NM_001353121.2 and 6 more transcripts); short protein forms E415K, E452K, E322K, E443K, E489K.
Identifiers: ClinVar variation 5034396 (VCV005034396.1).